The following is an entry in ClinVar:

ClinVar aggregate classification (germline): Likely pathogenic (1 of 4 stars; one submission).

Conditions:
Ataxia-telangiectasia syndrome (AT). Also called: Ataxia-telangiectasia, complementation group D; AT, COMPLEMENTATION GROUP C; ATAXIA-TELANGIECTASIA, COMPLEMENTATION GROUP A; ATAXIA-TELANGIECTASIA, FRESNO VARIANT; Ataxia-telangiectasia; Ataxia-telangiectasia, complementation group E. Identifiers: Orphanet 100, MedGen C0004135, MONDO:0008840, OMIM 208900.

Submission:

Labcorp Genetics (formerly Invitae), Labcorp
Classification: Likely pathogenic for Ataxia-telangiectasia syndrome. Last evaluated: 2024-04-10. Review status: criteria provided, single submitter. Criteria: Invitae Variant Classification Sherloc (09022015). Collection method: clinical testing. Allele origin: germline.
Comment: This sequence change affects a donor splice site in intron 46 of the ATM gene. It is expected to disrupt RNA splicing. Variants that disrupt the donor or acceptor splice site typically lead to a loss of protein function (PMID: 16199547), and loss-of-function variants in ATM are known to be pathogenic (PMID: 23807571, 25614872). This variant is not present in population databases (gnomAD no frequency). This variant has not been reported in the literature in individuals affected with ATM-related conditions. Algorithms developed to predict the effect of sequence changes on RNA splicing suggest that this variant may disrupt the consensus splice site. In summary, the currently available evidence indicates that the variant is pathogenic, but additional data are needed to prove that conclusively. Therefore, this variant has been classified as Likely Pathogenic.

Literature cited by the submitters: PubMed 16199547; PubMed 23807571; PubMed 25614872.

NM_000051.4(ATM):c.6807+2T>G

Genes: ATM (ATM serine/threonine kinase; plus strand), C11orf65 (chromosome 11 open reading frame 65; minus strand). Cytogenetic location: 11q22.3.
Variant type: single nucleotide variant.
Coding change: c.6807+2T>G on transcript NM_000051.4 (MANE Select); the canonical splice donor site of the intron after coding-DNA position 6807, T replaced by G.
Molecular consequence: splice donor variant. On other transcripts: intron variant (2).
Genome position (GRCh38, 1-based): chr11:108,325,546, T>G. VCF-style: chr11-108325546-T-G. GRCh37 (hg19) VCF-style: chr11-108196273-T-G.
Other names: c.6807+2T>G (NM_001351834.2); c.641-16475A>C (NM_001330368.2); c.*38+9674A>C (NM_001351110.2).
Identifiers: ClinVar variation 3649425 (VCV003649425.2).